The following is an entry in ClinVar:

NM_001244710.2(GFPT1):c.491A>G (p.Glu164Gly)

Gene: GFPT1 (glutamine--fructose-6-phosphate transaminase 1; minus strand). Cytogenetic location: 2p13.3.
Variant type: single nucleotide variant.
Coding change: c.491A>G on transcript NM_001244710.2 (MANE Select); coding-DNA position 491, A replaced by G.
Protein change: p.Glu164Gly; replaces glutamic acid 164 with glycine.
Molecular consequence: missense variant.
Genome position (GRCh38, 1-based): chr2:69,358,381, T>C on the plus strand (A>G on the coding strand, the complement: GFPT1 is on the minus strand). VCF-style: chr2-69358381-T-C. GRCh37 (hg19) VCF-style: chr2-69585513-T-C.
Other names: c.491A>G, p.Glu164Gly (NM_002056.4); short protein forms E164G.
Identifiers: ClinVar variation 1351642 (VCV001351642.6), dbSNP rs2104655675, ClinGen allele CA347131749.

ClinVar aggregate classification (germline): Uncertain significance (1 of 4 stars; one submission).

Conditions:
Congenital myasthenic syndrome 12 (CMS12). Also called: MYASTHENIC SYNDROME, CONGENITAL, WITH TUBULAR AGGREGATES 1; Myasthenia, congenital, 12, with tubular aggregates. Identifiers: Orphanet 353327, Orphanet 590, MedGen C3552335, MONDO:0012518, OMIM 610542.

Submission:

Labcorp Genetics (formerly Invitae), Labcorp
Classification: Uncertain significance for Congenital myasthenic syndrome 12. Last evaluated: 2021-11-14. Review status: criteria provided, single submitter. Criteria: Invitae Variant Classification Sherloc (09022015). Collection method: clinical testing. Allele origin: germline.
Comment: This sequence change replaces glutamic acid, which is acidic and polar, with glycine, which is neutral and non-polar, at codon 164 of the GFPT1 protein (p.Glu164Gly). This variant is not present in population databases (gnomAD no frequency). This variant has not been reported in the literature in individuals affected with GFPT1-related conditions. Algorithms developed to predict the effect of missense changes on protein structure and function (SIFT, PolyPhen-2, Align-GVGD) all suggest that this variant is likely to be tolerated. In summary, the available evidence is currently insufficient to determine the role of this variant in disease. Therefore, it has been classified as a Variant of Uncertain Significance.